The following is an entry in ClinVar:

ClinVar aggregate classification (germline): Likely benign (0 of 4 stars; one submission).

Conditions:
CARS1-related disorder. Also called: CARS1-related condition.

Allele frequency attached by ClinVar (database versions not stated): gnomAD exomes 0.00008; ExAC 0.00031; 1000 Genomes Project 0.00060; gnomAD 0.00085; 1000 Genomes Project 30x 0.00094; TOPMed 0.00096; ESP Exome Variant Server 0.00123.
gnomAD v4.1: 242 of 1,614,186 alleles (0.015%); highest among the groups gnomAD compares: African/African-American, 0.3%; 1 homozygote.

Submission:

PreventionGenetics, part of Exact Sciences
Classification: Likely benign for CARS1-related condition. Last evaluated: 2023-09-22. Review status: no assertion criteria provided. Collection method: clinical testing. Allele origin: germline.
Comment: This variant is classified as likely benign based on ACMG/AMP sequence variant interpretation guidelines (Richards et al. 2015 PMID: 25741868, with internal and published modifications).

NM_001014437.3(CARS1):c.1970C>T (p.Pro657Leu)

Gene: CARS1 (cysteinyl-tRNA synthetase 1; minus strand). Cytogenetic location: 11p15.4.
Variant type: single nucleotide variant.
Coding change: c.1970C>T on transcript NM_001014437.3 (MANE Select); coding-DNA position 1970, C replaced by T.
Protein change: p.Pro657Leu; replaces proline 657 with leucine.
Molecular consequence: missense variant. On other transcripts: non-coding transcript variant (4).
Genome position (GRCh38, 1-based): chr11:3,015,797, G>A on the plus strand (C>T on the coding strand, the complement: CARS1 is on the minus strand). VCF-style: chr11-3015797-G-A. GRCh37 (hg19) VCF-style: chr11-3037027-G-A.
Other names: c.1970C>T, p.Pro657Leu (NM_001194997.2); c.1760C>T, p.Pro587Leu (NM_001378136.1); c.1691C>T, p.Pro564Leu (NM_001378137.1, NM_001378138.1, NM_001378139.1); c.1445C>T, p.Pro482Leu (NM_001378140.1); c.1721C>T, p.Pro574Leu (NM_001751.6, NM_139273.4); short protein forms P482L, P564L, P574L, P587L, P657L.
Identifiers: ClinVar variation 3055169 (VCV003055169.2), dbSNP rs114985608, ClinGen allele CA5823815.